The following is an entry in ClinVar:

ClinVar aggregate classification (germline): Likely benign (1 of 4 stars; one submission).

Conditions:
Autosomal recessive omodysplasia (OMOD1). Also called: MICROMELIC DYSPLASIA, CONGENITAL, WITH DISLOCATION OF RADIUS. Identifiers: Orphanet 2733, Orphanet 93329, MedGen C1850318, MONDO:0009779, OMIM 258315.

Allele frequency attached by ClinVar (database versions not stated): gnomAD 0.00041 and 0.00054; TOPMed 0.00083; 1000 Genomes Project 0.00200; 1000 Genomes Project 30x 0.00203.
gnomAD v4.1: 452 of 749,162 alleles (0.06%); highest among the groups gnomAD compares: East Asian, 1.1%; 5 homozygotes.

Submission:

Illumina Laboratory Services, Illumina
Classification: Likely benign for Autosomal recessive omodysplasia. Last evaluated: 2018-01-12. Review status: criteria provided, single submitter. Criteria: ICSL Variant Classification Criteria 13 December 2019. Collection method: clinical testing. Allele origin: germline.
Comment: This variant was observed in the ICSL laboratory as part of a predisposition screen in an ostensibly healthy population. It had not been previously curated by ICSL or reported in the Human Gene Mutation Database (HGMD: prior to June 1st, 2018), and was therefore a candidate for classification through an automated scoring system. Utilizing variant allele frequency, disease prevalence and penetrance estimates, and inheritance mode, an automated score was calculated to assess if this variant is too frequent to cause the disease. Based on the score and internal cut-off values, a variant classified as likely benign is not then subjected to further curation. The score for this variant resulted in a classification of likely benign for this disease.

NM_005708.5(GPC6):c.*126G>C

Gene: GPC6 (glypican 6; plus strand). Cytogenetic location: 13q32.1.
Variant type: single nucleotide variant.
Coding change: c.*126G>C on transcript NM_005708.5 (MANE Select); 126 bases downstream of the stop codon, G replaced by C.
Molecular consequence: 3 prime UTR variant.
Genome position (GRCh38, 1-based): chr13:94,403,343, G>C. VCF-style: chr13-94403343-G-C. GRCh37 (hg19) VCF-style: chr13-95055597-G-C.
Identifiers: ClinVar variation 312556 (VCV000312556.5), dbSNP rs117059477, ClinGen allele CA10639774.